The following is an entry in ClinVar:

NM_004204.5(PIGQ):c.1736A>G (p.Lys579Arg)

Gene: PIGQ (phosphatidylinositol glycan anchor biosynthesis class Q; plus strand). Cytogenetic location: 16p13.3.
Variant type: single nucleotide variant.
Coding change: c.1736A>G on transcript NM_004204.5 (MANE Select); coding-DNA position 1736, A replaced by G.
Protein change: p.Lys579Arg; replaces lysine 579 with arginine.
Molecular consequence: missense variant. On other transcripts: synonymous variant (1).
Genome position (GRCh38, 1-based): chr16:583,025, A>G. VCF-style: chr16-583025-A-G. GRCh37 (hg19) VCF-style: chr16-633025-A-G.
Other names: c.1674A>G, p.Gln558= (NM_148920.4); short protein forms K579R.
Identifiers: ClinVar variation 2012559 (VCV002012559.4), dbSNP rs749793636, ClinGen allele CA394062089.

ClinVar aggregate classification (germline): Uncertain significance (1 of 4 stars; one submission).

Conditions:
Epilepsy. Also called: Seizure disorder. Identifiers: MedGen C0014544, MeSH D004827, MONDO:0005027.

gnomAD v4.1: 1 of 1,613,110 alleles (0.000062%); highest among the groups gnomAD compares: Non-Finnish European, 0.000085%; no homozygotes.

Submission:

Labcorp Genetics (formerly Invitae), Labcorp
Classification: Uncertain significance for Epilepsy. Last evaluated: 2022-06-30. Review status: criteria provided, single submitter. Criteria: Invitae Variant Classification Sherloc (09022015). Collection method: clinical testing. Allele origin: germline.
Comment: In summary, the available evidence is currently insufficient to determine the role of this variant in disease. Therefore, it has been classified as a Variant of Uncertain Significance. Algorithms developed to predict the effect of missense changes on protein structure and function (SIFT, PolyPhen-2, Align-GVGD) all suggest that this variant is likely to be tolerated. This variant has not been reported in the literature in individuals affected with PIGQ-related conditions. This variant is not present in population databases (gnomAD no frequency). This sequence change replaces lysine, which is basic and polar, with arginine, which is basic and polar, at codon 579 of the PIGQ protein (p.Lys579Arg).